The following is an entry in ClinVar:

ClinVar aggregate classification (germline): Uncertain significance (1 of 4 stars; one submission).

Submission:

Labcorp Genetics (formerly Invitae), Labcorp
Classification: Uncertain significance. Last evaluated: 2022-05-11. Review status: criteria provided, single submitter. Criteria: Invitae Variant Classification Sherloc (09022015). Collection method: clinical testing. Allele origin: germline.
Comment: This variant, c.6328_6330del, results in the deletion of 1 amino acid(s) of the HMCN1 protein (p.Glu2110del), but otherwise preserves the integrity of the reading frame. This variant has not been reported in the literature in individuals affected with HMCN1-related conditions. This variant is present in population databases (no rsID available, gnomAD 0.0009%). In summary, the available evidence is currently insufficient to determine the role of this variant in disease. Therefore, it has been classified as a Variant of Uncertain Significance. Experimental studies and prediction algorithms are not available or were not evaluated, and the functional significance of this variant is currently unknown.

NM_031935.3(HMCN1):c.6325GAA[1] (p.Glu2110del)

Gene: HMCN1 (hemicentin 1; plus strand). Cytogenetic location: 1q31.1.
Variant type: Microsatellite.
Coding change: c.6325GAA[1] on transcript NM_031935.3 (MANE Select); one copy of the 3-base unit GAA starting at c.6325; the reference has two copies in a row; one copy, 3 bases deleted.
Protein change: p.Glu2110del; deletes glutamic acid 2110.
Molecular consequence: inframe deletion.
Genome position (GRCh38, 1-based): chr1:186,045,711-186,045,713, GAA deleted; deleting any 3 consecutive bases within chr1:186,045,707-186,045,713 gives the same sequence; the position shown is the placement nearest the transcript's 3' end. VCF-style (leftmost placement, unchanged base first): chr1-186045706-GAGA-G. GRCh37 (hg19) VCF-style: chr1-186014838-GAGA-G.
Other names: short protein forms E2110del.
Identifiers: ClinVar variation 1963311 (VCV001963311.5), dbSNP rs1404860505, ClinGen allele CA528079040.